The following is an entry in ClinVar:

ClinVar aggregate classification (germline): Uncertain significance (1 of 4 stars; one submission).

Allele frequency attached by ClinVar (database versions not stated): gnomAD exomes below 0.00001; gnomAD 0.00001; TOPMed 0.00002.
gnomAD v4.1: 3 of 1,612,080 alleles (0.00019%); highest among the groups gnomAD compares: African/African-American, 0.0027%; no homozygotes.

Submission:

Labcorp Genetics (formerly Invitae), Labcorp
Classification: Uncertain significance. Last evaluated: 2021-05-25. Review status: criteria provided, single submitter. Criteria: Invitae Variant Classification Sherloc (09022015). Collection method: clinical testing. Allele origin: germline.
Comment: This sequence change replaces proline with leucine at codon 534 of the ZNF408 protein (p.Pro534Leu). The proline residue is highly conserved and there is a moderate physicochemical difference between proline and leucine. This variant is not present in population databases (ExAC no frequency). This variant has not been reported in the literature in individuals with ZNF408-related conditions. Algorithms developed to predict the effect of missense changes on protein structure and function (SIFT, PolyPhen-2, Align-GVGD) all suggest that this variant is likely to be disruptive, but these predictions have not been confirmed by published functional studies and their clinical significance is uncertain. In summary, the available evidence is currently insufficient to determine the role of this variant in disease. Therefore, it has been classified as a Variant of Uncertain Significance.

NM_024741.3(ZNF408):c.1601C>T (p.Pro534Leu)

Gene: ZNF408 (zinc finger protein 408; plus strand). Cytogenetic location: 11p11.2.
Variant type: single nucleotide variant.
Coding change: c.1601C>T on transcript NM_024741.3 (MANE Select); coding-DNA position 1601, C replaced by T.
Protein change: p.Pro534Leu; replaces proline 534 with leucine.
Molecular consequence: missense variant.
Genome position (GRCh38, 1-based): chr11:46,705,301, C>T. VCF-style: chr11-46705301-C-T. GRCh37 (hg19) VCF-style: chr11-46726851-C-T.
Other names: c.1577C>T, p.Pro526Leu (NM_001184751.2); short protein forms P526L, P534L.
Identifiers: ClinVar variation 1501586 (VCV001501586.8), dbSNP rs1029681188, ClinGen allele CA221634095.